The following is an entry in ClinVar:

NM_000532.5(PCCB):c.1325T>C (p.Met442Thr)

Gene: PCCB (propionyl-CoA carboxylase subunit beta; plus strand). Cytogenetic location: 3q22.3.
Variant type: single nucleotide variant.
Coding change: c.1325T>C on transcript NM_000532.5 (MANE Select); coding-DNA position 1325, T replaced by C.
Protein change: p.Met442Thr; replaces methionine 442 with threonine.
Molecular consequence: missense variant.
Genome position (GRCh38, 1-based): chr3:136,327,659, T>C. VCF-style: chr3-136327659-T-C. GRCh37 (hg19) VCF-style: chr3-136046501-T-C.
Other names: c.1385T>C, p.Met462Thr (NM_001178014.2); short protein forms M442T, M462T.
Identifiers: ClinVar variation 3720538 (VCV003720538.3).

ClinVar aggregate classification (germline): Conflicting classifications of pathogenicity. Review status: criteria provided, conflicting classifications (1 of 4 stars). 2 submissions from 2 submitters: Likely pathogenic (1); Uncertain significance (1). Last evaluated 2026-07-16.

Conditions:
Propionic acidemia (PROP). Also called: GLYCINEMIA, KETOTIC; HYPERGLYCINEMIA WITH KETOACIDOSIS AND LEUKOPENIA; KETOTIC HYPERGLYCINEMIA. Identifiers: Orphanet 35, MedGen C0268579, MONDO:0011628, OMIM 606054, HP:0003571.

gnomAD v4.1: 2 of 1,613,522 alleles (0.00012%); highest among the groups gnomAD compares: African/African-American, 0.0027%; no homozygotes.

Submissions (2):

Myriad Genetics, Inc.
Classification: Uncertain significance for Propionic acidemia. Last evaluated: 2026-07-16. Review status: criteria provided, single submitter. Criteria: Myriad Autosomal Dominant, Autosomal Recessive and X-Linked Classification Criteria (2023). Collection method: clinical testing. Allele origin: unknown.
Comment: NM_000532.4(PCCB):c.1325T>C(M442T) is a missense variant classified as a variant of uncertain significance in the context of PCCB-related propionic acidemia. M442T has been observed in a case with relevant disease (PMID: 10447268). Relevant functional assessments of this variant are not available in the literature. M442T has not been observed in referenced population frequency databases. In summary, there is insufficient evidence to classify NM_000532.4(PCCB):c.1325T>C(M442T) as pathogenic or benign. Please note: this variant was assessed in the context of healthy population screening.

Labcorp Genetics (formerly Invitae), Labcorp
Classification: Likely pathogenic for Propionic acidemia. Last evaluated: 2025-01-25. Review status: criteria provided, single submitter. Criteria: Invitae Variant Classification Sherloc (09022015). Collection method: clinical testing. Allele origin: germline.
Comment: This sequence change replaces methionine, which is neutral and non-polar, with threonine, which is neutral and polar, at codon 442 of the PCCB protein (p.Met442Thr). This variant is not present in population databases (gnomAD no frequency). This missense change has been observed in individual(s) with propionic acidemia (PMID: 10447268). Invitae Evidence Modeling of protein sequence and biophysical properties (such as structural, functional, and spatial information, amino acid conservation, physicochemical variation, residue mobility, and thermodynamic stability) indicates that this missense variant is expected to disrupt PCCB protein function with a positive predictive value of 80%. Experimental studies have shown that this missense change affects PCCB function (PMID: 12007220). In summary, the currently available evidence indicates that the variant is pathogenic, but additional data are needed to prove that conclusively. Therefore, this variant has been classified as Likely Pathogenic.

Literature cited by the submitters: PubMed 10447268 (cited by Myriad Genetics, Inc. and Labcorp Genetics (formerly Invitae), Labcorp); PubMed 12007220 (cited by Labcorp Genetics (formerly Invitae), Labcorp).